The following is an entry in ClinVar:

NM_000051.4(ATM):c.4593G>C (p.Gln1531His)

Gene: ATM (ATM serine/threonine kinase; plus strand). Cytogenetic location: 11q22.3.
Variant type: single nucleotide variant.
Coding change: c.4593G>C on transcript NM_000051.4 (MANE Select); coding-DNA position 4593, G replaced by C.
Protein change: p.Gln1531His; replaces glutamine 1531 with histidine.
Molecular consequence: missense variant.
Genome position (GRCh38, 1-based): chr11:108,292,775, G>C. VCF-style: chr11-108292775-G-C. GRCh37 (hg19) VCF-style: chr11-108163502-G-C.
Other names: c.4593G>C, p.Gln1531His (NM_001351834.2); short protein forms Q1531H.
Identifiers: ClinVar variation 3450129 (VCV003450129.1).

ClinVar aggregate classification (germline): Uncertain significance (1 of 4 stars; one submission).

Conditions:
Hereditary cancer-predisposing syndrome. Also called: Tumor predisposition; Neoplastic Syndromes, Hereditary; Hereditary neoplastic syndrome; Hereditary Cancer Syndrome. Identifiers: Orphanet 140162, MedGen C0027672, MeSH D009386, MONDO:0015356.

Submission:

Ambry Genetics
Classification: Uncertain significance for Hereditary cancer-predisposing syndrome. Last evaluated: 2024-07-13. Review status: criteria provided, single submitter. Criteria: Ambry Variant Classification Scheme 2023. Collection method: clinical testing. Allele origin: germline.
Comment: The p.Q1531H variant (also known as c.4593G>C), located in coding exon 29 of the ATM gene, results from a G to C substitution at nucleotide position 4593. The glutamine at codon 1531 is replaced by histidine, an amino acid with highly similar properties. This amino acid position is conserved. In addition, this alteration is predicted to be tolerated by in silico analysis. Based on the available evidence, the clinical significance of this variant remains unclear.